The following is an entry in ClinVar:

NM_001378418.1(TCF20):c.1794G>T (p.Lys598Asn)

Gene: TCF20 (transcription factor 20; minus strand). Cytogenetic location: 22q13.2.
Variant type: single nucleotide variant.
Coding change: c.1794G>T on transcript NM_001378418.1 (MANE Select); coding-DNA position 1794, G replaced by T.
Protein change: p.Lys598Asn; replaces lysine 598 with asparagine.
Molecular consequence: missense variant.
Genome position (GRCh38, 1-based): chr22:42,213,512, C>A on the plus strand (G>T on the coding strand, the complement: TCF20 is on the minus strand). VCF-style: chr22-42213512-C-A. GRCh37 (hg19) VCF-style: chr22-42609518-C-A.
Other names: c.1794G>T, p.Lys598Asn (NM_005650.4, NM_181492.3); short protein forms K598N.
Identifiers: ClinVar variation 4997644 (VCV004997644.1).

ClinVar aggregate classification (germline): Uncertain significance (1 of 4 stars; one submission).

Conditions:
TCF20-related disorder. Also called: TCF20-related condition.

Submission:

PreventionGenetics, part of Exact Sciences
Classification: Uncertain significance for TCF20-related condition. Last evaluated: 2025-07-23. Review status: criteria provided, single submitter. Criteria: ACMG Guidelines, 2015. Collection method: clinical testing. Allele origin: germline.
Comment: The TCF20 c.1794G>T variant is predicted to result in the amino acid substitution p.Lys598Asn. To our knowledge, this variant has not been reported in the literature or in a large population database (gnomAD), indicating this variant is rare. At this time, the clinical significance of this variant is uncertain due to the absence of conclusive functional and genetic evidence.